The following is an entry in ClinVar:

NM_001035.3(RYR2):c.48+3A>G

Gene: RYR2 (ryanodine receptor 2; plus strand). Cytogenetic location: 1q43.
Variant type: single nucleotide variant.
Coding change: c.48+3A>G on transcript NM_001035.3 (MANE Select); 3 bases into the intron after coding-DNA position 48, A replaced by G.
Molecular consequence: intron variant.
Genome position (GRCh38, 1-based): chr1:237,042,572, A>G. VCF-style: chr1-237042572-A-G. GRCh37 (hg19) VCF-style: chr1-237205872-A-G.
Identifiers: ClinVar variation 3791630 (VCV003791630.1).

ClinVar aggregate classification (germline): Uncertain significance (1 of 4 stars; one submission).

Conditions:
Cardiovascular phenotype. Identifiers: MedGen CN230736.

Submission:

Ambry Genetics
Classification: Uncertain significance for Cardiovascular phenotype. Last evaluated: 2025-03-03. Review status: criteria provided, single submitter. Criteria: Ambry Variant Classification Scheme 2023. Collection method: clinical testing. Allele origin: germline.
Comment: The c.48+3A>G intronic variant results from an A to G substitution 3 nucleotides after coding exon 1 in the RYR2 gene. This nucleotide position is well conserved in available vertebrate species. In silico splice site analysis predicts that this alteration may result in the creation or strengthening of a novel splice donor site. Based on the available evidence, the clinical significance of this variant remains unclear.